The following is an entry in ClinVar:

ClinVar aggregate classification (germline): Uncertain significance (1 of 4 stars; one submission).

Conditions:
3-methylglutaconic aciduria, type VIIB (MGCA7B). Also called: 3-methylglutaconic aciduria with cataracts, neurologic involvement and neutropenia; 3-methylglutaconic aciduria, type VII, with cataracts, neurologic involvement and neutropenia; CLPB Deficiency. Identifiers: Orphanet 445038, MedGen C5676893, MONDO:0014561, OMIM 616271.

Submission:

Labcorp Genetics (formerly Invitae), Labcorp
Classification: Uncertain significance for 3-methylglutaconic aciduria, type VIIB. Last evaluated: 2023-10-25. Review status: criteria provided, single submitter. Criteria: Invitae Variant Classification Sherloc (09022015). Collection method: clinical testing. Allele origin: germline.
Comment: This variant is a gross deletion of the genomic region encompassing exon(s) 5 of the CLPB gene. This variant would be expected to be in-frame, preserving the integrity of the reading frame. This variant has not been reported in the literature in individuals affected with CLPB-related conditions. Experimental studies and prediction algorithms are not available or were not evaluated, and the functional significance of this variant is currently unknown. In summary, the available evidence is currently insufficient to determine the role of this variant in disease. Therefore, it has been classified as a Variant of Uncertain Significance.

NC_000011.9:g.(?_72083949)_(72084078_?)del

Gene: CLPB (ClpB family mitochondrial disaggregase; minus strand). Cytogenetic location: 11q13.4.
Variant type: Deletion.
Identifiers: ClinVar variation 1011851 (VCV001011851.9).